The following is an entry in ClinVar:

NM_001276270.2(MBD4):c.192G>T (p.Leu64Phe)

Gene: MBD4 (methyl-CpG binding domain 4, DNA glycosylase; minus strand). Cytogenetic location: 3q21.3.
Variant type: single nucleotide variant.
Coding change: c.192G>T on transcript NM_001276270.2 (MANE Select); coding-DNA position 192, G replaced by T.
Protein change: p.Leu64Phe; replaces leucine 64 with phenylalanine.
Molecular consequence: missense variant.
Genome position (GRCh38, 1-based): chr3:129,437,863, C>A on the plus strand (G>T on the coding strand, the complement: MBD4 is on the minus strand). VCF-style: chr3-129437863-C-A. GRCh37 (hg19) VCF-style: chr3-129156706-C-A.
Other names: c.192G>T, p.Leu64Phe (NM_001276271.2, NM_001276272.2, NM_001276273.2 and 1 more transcripts); short protein forms L64F.
Identifiers: ClinVar variation 3631349 (VCV003631349.2).

ClinVar aggregate classification (germline): Uncertain significance (1 of 4 stars; one submission).

Submission:

Labcorp Genetics (formerly Invitae), Labcorp
Classification: Uncertain significance. Last evaluated: 2026-01-27. Review status: criteria provided, single submitter. Criteria: Invitae Variant Classification Sherloc (09022015). Collection method: clinical testing. Allele origin: germline.
Comment: This sequence change replaces leucine, which is neutral and non-polar, with phenylalanine, which is neutral and non-polar, at codon 64 of the MBD4 protein (p.Leu64Phe). This variant is not present in population databases (gnomAD no frequency). This variant has not been reported in the literature in individuals affected with MBD4-related conditions. ClinVar contains an entry for this variant (Variation ID: 3631349). An algorithm developed to predict the effect of missense changes on protein structure and function (PolyPhen-2) suggests that this variant is likely to be tolerated. In summary, the available evidence is currently insufficient to determine the role of this variant in disease. Therefore, it has been classified as a Variant of Uncertain Significance.